The following is an entry in ClinVar:

ClinVar aggregate classification (germline): Uncertain significance. Review status: criteria provided, multiple submitters, no conflicts (2 of 4 stars). 2 submissions from 2 submitters: Uncertain significance (2). Last evaluated 2024-12-20.

Conditions:
Malignant hyperthermia, susceptibility to, 1 (MHS1). Also called: Anesthesia related hyperthermia; Malignant hyperpyrexia; Fulminating hyperpyrexia; Pharmacogenic myopathy; RYR1-Related Malignant Hyperthermia Susceptibility; Malignant hyperthermia suceptibility 1. Identifiers: Orphanet 423, MedGen C2930980, MONDO:0007783, OMIM 145600.

Allele frequency attached by ClinVar (database versions not stated): TOPMed below 0.00001; ExAC 0.00001; gnomAD 0.00001.
gnomAD v4.1: 2 of 1,613,726 alleles (0.00012%); highest among the groups gnomAD compares: East Asian, 0.0045%; no homozygotes.

Submissions (2):

GeneDx
Classification: Uncertain significance. Last evaluated: 2024-12-20. Review status: criteria provided, single submitter. Criteria: GeneDx Variant Classification Process June 2021. Collection method: clinical testing. Allele origin: germline. Affected: yes.
Comment: Not observed at significant frequency in large population cohorts (gnomAD); In silico analysis supports that this missense variant has a deleterious effect on protein structure/function; Has not been previously published as pathogenic or benign to our knowledge

All of Us Research Program, National Institutes of Health
Classification: Uncertain significance for Malignant hyperthermia, susceptibility to, 1. Last evaluated: 2023-05-31. Review status: criteria provided, single submitter. Criteria: ACMG Guidelines, 2015. Collection method: clinical testing. Allele origin: germline. Inheritance: Autosomal dominant inheritance. Observed: 1 variant allele, 1 heterozygote.
Comment: This study involves interpretation of variants in research participants for the purpose of population health screening. Participant phenotype was not available at the time of variant classification. Additional details can be found in publication PMID: 35346344, PMCID: PMC8962531

NM_000540.3(RYR1):c.3802T>A (p.Cys1268Ser)

Gene: RYR1 (ryanodine receptor 1; plus strand). Cytogenetic location: 19q13.2.
Variant type: single nucleotide variant.
Coding change: c.3802T>A on transcript NM_000540.3 (MANE Select); coding-DNA position 3802, T replaced by A.
Protein change: p.Cys1268Ser; replaces cysteine 1268 with serine.
Molecular consequence: missense variant.
Genome position (GRCh38, 1-based): chr19:38,473,413, T>A. VCF-style: chr19-38473413-T-A. GRCh37 (hg19) VCF-style: chr19-38964053-T-A.
Other names: c.3802T>A, p.Cys1268Ser (NM_001042723.2); short protein forms C1268S.
Identifiers: ClinVar variation 3071316 (VCV003071316.2), dbSNP rs769413091, ClinGen allele CA065211.